The following is an entry in ClinVar:

ClinVar aggregate classification (germline): Pathogenic. Review status: criteria provided, multiple submitters, no conflicts (2 of 4 stars). 2 submissions from 2 submitters: Pathogenic (2). Last evaluated 2026-01-21.

Conditions:
X-linked Alport syndrome (ATS1). Also called: COL4A5-Related Nephropathy; NEPHROPATHY AND DEAFNESS, X-LINKED. Identifiers: Orphanet 63, Orphanet 88917, MedGen C4746986, MONDO:0010520, OMIM 301050.

Submissions (2):

Labcorp Genetics (formerly Invitae), Labcorp
Classification: Pathogenic. Last evaluated: 2026-01-21. Review status: criteria provided, single submitter. Criteria: Invitae Variant Classification Sherloc (09022015). Collection method: clinical testing. Allele origin: germline.
Comment: This sequence change affects a donor splice site in intron 22 of the COL4A5 gene. It is expected to disrupt RNA splicing. Variants that disrupt the donor or acceptor splice site typically lead to a loss of protein function (PMID: 16199547), and loss-of-function variants in COL4A5 are known to be pathogenic (PMID: 9195222, 10752524, 14514738, 24854265, 26809805). This variant is not present in population databases (gnomAD no frequency). Disruption of this splice site has been observed in individuals with clinical features of Alport syndrome (PMID: 15780079; internal data). ClinVar contains an entry for this variant (Variation ID: 3572897). Algorithms developed to predict the effect of sequence changes on RNA splicing suggest that this variant may disrupt the consensus splice site. For these reasons, this variant has been classified as Pathogenic.

Institute of Human Genetics, University of Leipzig Medical Center
Classification: Pathogenic for X-linked Alport syndrome. Last evaluated: 2024-12-18. Review status: criteria provided, single submitter. Criteria: ACMG Guidelines, 2015. Collection method: clinical testing. Allele origin: unknown. Inheritance: X-linked dominant inheritance. Affected: yes.
Comment: Criteria applied: PVS1,PM2

Literature cited by the submitters: PubMed 16199547 (cited by Labcorp Genetics (formerly Invitae), Labcorp); PubMed 9195222 (cited by Labcorp Genetics (formerly Invitae), Labcorp); PubMed 10752524 (cited by Labcorp Genetics (formerly Invitae), Labcorp); PubMed 14514738 (cited by Labcorp Genetics (formerly Invitae), Labcorp); PubMed 24854265 (cited by Labcorp Genetics (formerly Invitae), Labcorp); PubMed 26809805 (cited by Labcorp Genetics (formerly Invitae), Labcorp); PubMed 15780079 (cited by Labcorp Genetics (formerly Invitae), Labcorp).

NM_033380.3(COL4A5):c.1516+1G>C

Gene: COL4A5 (collagen type IV alpha 5 chain; plus strand). Cytogenetic location: Xq22.3.
Variant type: single nucleotide variant.
Coding change: c.1516+1G>C on transcript NM_033380.3 (MANE Select); the canonical splice donor site of the intron after coding-DNA position 1516, G replaced by C.
Molecular consequence: splice donor variant.
Genome position (GRCh38, 1-based): chrX:108,595,602, G>C. VCF-style: chrX-108595602-G-C. GRCh37 (hg19) VCF-style: chrX-107838832-G-C.
Other names: c.1516+1G>C (NM_000495.5).
Identifiers: ClinVar variation 3572897 (VCV003572897.3).
Genomic context (GRCh38, chrX:108,595,602, plus strand): 5'-GAACTGGTATTTCAGGGCCTCCAGGTCAACCTGGTTTGCCAGGTCTCCCAGGTCCTCCAG[G>C]TAAATTATGCCTCAGGGTAACCTTCTAAATATTTTTTGGCTAGATTTTGTTGAGCTTATA-3'